The following is an entry in ClinVar:

ClinVar aggregate classification (germline): Pathogenic (1 of 4 stars; one submission).

Submission:

Labcorp Genetics (formerly Invitae), Labcorp
Classification: Pathogenic. Last evaluated: 2023-12-05. Review status: criteria provided, single submitter. Criteria: Invitae Variant Classification Sherloc (09022015). Collection method: clinical testing. Allele origin: germline.
Comment: This sequence change creates a premature translational stop signal (p.Glu3586*) in the VPS13C gene. It is expected to result in an absent or disrupted protein product. Loss-of-function variants in VPS13C are known to be pathogenic (PMID: 26942284, 34875562). This variant is not present in population databases (gnomAD no frequency). This variant has not been reported in the literature in individuals affected with VPS13C-related conditions. For these reasons, this variant has been classified as Pathogenic.

Literature cited by the submitters: PubMed 26942284; PubMed 34875562.

NM_020821.3(VPS13C):c.10756G>T (p.Glu3586Ter)

Gene: VPS13C (vacuolar protein sorting 13 homolog C; minus strand). Cytogenetic location: 15q22.2.
Variant type: single nucleotide variant.
Coding change: c.10756G>T on transcript NM_020821.3 (MANE Select); coding-DNA position 10756, G replaced by T.
Protein change: p.Glu3586Ter; replaces glutamic acid 3586 with a stop codon.
Molecular consequence: nonsense.
Genome position (GRCh38, 1-based): chr15:61,868,766, C>A on the plus strand (G>T on the coding strand, the complement: VPS13C is on the minus strand). VCF-style: chr15-61868766-C-A. GRCh37 (hg19) VCF-style: chr15-62160965-C-A.
Other names: c.10756G>T, p.Glu3586Ter (NM_001018088.3); c.10627G>T, p.Glu3543Ter (NM_017684.5, NM_018080.4); short protein forms E3586*, E3543*.
Identifiers: ClinVar variation 2868674 (VCV002868674.3), dbSNP rs527383658, ClinGen allele CA392668809.